The following is an entry in ClinVar:

NM_030773.4(TUBB1):c.396C>G (p.Gly132=)

Gene: TUBB1 (tubulin beta 1 class VI; plus strand). Cytogenetic location: 20q13.32.
Variant type: single nucleotide variant.
Coding change: c.396C>G on transcript NM_030773.4 (MANE Select); coding-DNA position 396, C replaced by G.
Protein change: p.Gly132=; no amino-acid change (glycine 132 retained).
Molecular consequence: synonymous variant.
Genome position (GRCh38, 1-based): chr20:59,023,823, C>G. VCF-style: chr20-59023823-C-G. GRCh37 (hg19) VCF-style: chr20-57598878-C-G.
Other names: p.Gly132=.
Identifiers: ClinVar variation 748762 (VCV000748762.39), dbSNP rs61757565, ClinGen allele CA9928496.

ClinVar aggregate classification (germline): Benign/Likely benign. Review status: criteria provided, multiple submitters, no conflicts (2 of 4 stars). 6 submissions from 6 submitters: Benign (4); Likely benign (2). Last evaluated 2026-05-01.

Allele frequency attached by ClinVar (database versions not stated): gnomAD exomes 0.00047 and 0.00105; ExAC 0.00113; 1000 Genomes Project 30x 0.00234; gnomAD 0.00261 and 0.00273; 1000 Genomes Project 0.00280; TOPMed 0.00288; ESP Exome Variant Server 0.00292.

Submissions (6):

CeGaT Center for Human Genetics Tuebingen
Classification: Likely benign. Last evaluated: 2026-05-01. Review status: criteria provided, single submitter. Criteria: CeGaT Center For Human Genetics Tuebingen Variant Classification Criteria Version 2. Collection method: clinical testing. Allele origin: germline. Affected: yes. Observed: 3 variant alleles.
Comment: TUBB1: BP4, BP7

Labcorp Genetics (formerly Invitae), Labcorp
Classification: Benign. Last evaluated: 2026-01-24. Review status: criteria provided, single submitter. Criteria: Invitae Variant Classification Sherloc (09022015). Collection method: clinical testing. Allele origin: germline.

Mayo Clinic Laboratories, Mayo Clinic
Classification: Benign. Last evaluated: 2024-12-23. Review status: criteria provided, single submitter. Criteria: ACMG Guidelines, 2015. Collection method: clinical testing. Allele origin: germline. Observed: 3 variant alleles.
Comment: BS1, BS2, BP4, BP7

Blueprint Genetics
Classification: Likely benign. Last evaluated: 2024-11-28. Review status: criteria provided, single submitter. Criteria: ACMG Guidelines, 2015. Collection method: clinical testing. Allele origin: germline.

Genetic Services Laboratory, University of Chicago
Classification: Benign. Last evaluated: 2018-10-30. Review status: criteria provided, single submitter. Criteria: ACMG Guidelines, 2015. Collection method: clinical testing. Allele origin: germline. Affected: no.

Breakthrough Genomics
Classification: Benign. Review status: criteria provided, single submitter. Criteria: ACMG Guidelines, 2015. Collection method: not provided. Allele origin: germline. Inheritance: Autosomal dominant inheritance. Affected: yes.